The following is an entry in ClinVar:

NM_144684.4(ZNF480):c.9_10del (p.Cys3_Asp4delinsTer)

Gene: ZNF480 (zinc finger protein 480; plus strand). Cytogenetic location: 19q13.41.
Variant type: Microsatellite.
Coding change: c.9_10del on transcript NM_144684.4 (MANE Select); coding-DNA positions 9 to 10, 2 bases deleted (TG; older notation c.9_10delTG).
Protein change: p.Cys3_Asp4delinsTer.
Molecular consequence: nonsense. On other transcripts: 5 prime UTR variant (1).
Genome position (GRCh38, 1-based): chr19:52,300,421-52,300,422, TG deleted; deleting any 2 consecutive bases within chr19:52,300,417-52,300,422 gives the same sequence; the c. name uses the placement nearest the transcript's 3' end. VCF-style (leftmost placement, unchanged base first): chr19-52300416-CTG-C. GRCh37 (hg19) VCF-style: chr19-52803669-CTG-C.
Other names: c.9_10del, p.Cys3_Asp4delinsTer (NM_001297624.2); c.-100TG[2] (NM_001297625.2).
Identifiers: ClinVar variation 403625 (VCV000403625.4), dbSNP rs3217319, ClinGen allele CA9622151.

ClinVar aggregate classification (germline): Benign (1 of 4 stars; one submission).

Submission:

Laboratory for Molecular Medicine, Mass General Brigham Personalized Medicine
Classification: Benign. Last evaluated: 2016-03-29. Review status: criteria provided, single submitter. Criteria: LMM Criteria. Collection method: clinical testing. Allele origin: germline.
Comment: Variant identified in a genome or exome case(s) and assessed due to predicted null impact of the variant or pathogenic assertions in the literature or databases. Disclaimer: This variant has not undergone full assessment. The following are preliminary notes: Frequency in ESP (all): 7679/12518=61.35%